The following is an entry in ClinVar:

ClinVar aggregate classification (germline): Uncertain significance (1 of 4 stars; one submission).

Submission:

Labcorp Genetics (formerly Invitae), Labcorp
Classification: Uncertain significance. Last evaluated: 2020-05-05. Review status: criteria provided, single submitter. Criteria: Invitae Variant Classification Sherloc (09022015). Collection method: clinical testing. Allele origin: germline.
Comment: In summary, the available evidence is currently insufficient to determine the role of this variant in disease. Therefore, it has been classified as a Variant of Uncertain Significance. This variant has not been reported in the literature in individuals with USH2A-related conditions. This variant results in a copy number gain of the genomic region encompassing exon(s) 2-3 of the USH2A gene, which includes the initiator codon. The 5' end of this event is unknown as it extends beyond the assayed region for this gene and therefore may encompass additional genes. The 3' boundary is likely confined to intron 3 of the USH2A gene. As the precise location of this event is unknown, it may be in tandem or it may be located elsewhere in the genome.

NC_000001.10:g.(?_216591856)_(216595678_?)dup

Gene: USH2A (usherin; minus strand). Cytogenetic location: 1q41.
Variant type: Duplication.
Identifiers: ClinVar variation 1043023 (VCV001043023.5).